The following is an entry in ClinVar:

ClinVar aggregate classification (germline): Conflicting classifications of pathogenicity. Review status: criteria provided, conflicting classifications (1 of 4 stars). 2 submissions from 2 submitters: Likely pathogenic (1); Uncertain significance (1). Last evaluated 2025-02-25.

Conditions:
Niemann-Pick disease, type C1. Also called: NEUROVISCERAL STORAGE DISEASE WITH VERTICAL SUPRANUCLEAR OPHTHALMOPLEGIA; NIEMANN-PICK DISEASE WITH CHOLESTEROL ESTERIFICATION BLOCK; NIEMANN-PICK DISEASE WITHOUT SPHINGOMYELINASE DEFICIENCY; NIEMANN-PICK DISEASE, CHRONIC NEURONOPATHIC FORM; NIEMANN-PICK DISEASE, VARIANT TYPE C1. Identifiers: Orphanet 646, MedGen C3179455, MONDO:0009757, OMIM 257220.

Allele frequency attached by ClinVar (database versions not stated): gnomAD exomes below 0.00001.
gnomAD v4.1: 2 of 1,614,064 alleles (0.00012%); highest among the groups gnomAD compares: Admixed American, 0.0017%; no homozygotes.

Submissions (2):

Labcorp Genetics (formerly Invitae), Labcorp
Classification: Likely pathogenic for Niemann-Pick disease, type C1. Last evaluated: 2025-02-25. Review status: criteria provided, single submitter. Criteria: Invitae Variant Classification Sherloc (09022015). Collection method: clinical testing. Allele origin: germline.
Comment: This sequence change replaces glycine, which is neutral and non-polar, with valine, which is neutral and non-polar, at codon 1140 of the NPC1 protein (p.Gly1140Val). This variant is not present in population databases (gnomAD no frequency). This missense change has been observed in individual(s) with clinical features of Niemann-Pick disease type C (PMID: 12955717, 30820861, 33258288, 35417398; internal data). ClinVar contains an entry for this variant (Variation ID: 1021656). Invitae Evidence Modeling of protein sequence and biophysical properties (such as structural, functional, and spatial information, amino acid conservation, physicochemical variation, residue mobility, and thermodynamic stability) indicates that this missense variant is expected to disrupt NPC1 protein function with a positive predictive value of 95%. In summary, the currently available evidence indicates that the variant is pathogenic, but additional data are needed to prove that conclusively. Therefore, this variant has been classified as Likely Pathogenic.

Blueprint Genetics
Classification: Uncertain significance. Last evaluated: 2024-10-25. Review status: criteria provided, single submitter. Criteria: ACMG Guidelines, 2015. Collection method: clinical testing. Allele origin: germline.

Literature cited by the submitters: PubMed 12955717 (cited by Labcorp Genetics (formerly Invitae), Labcorp); PubMed 30820861 (cited by Labcorp Genetics (formerly Invitae), Labcorp); PubMed 33258288 (cited by Labcorp Genetics (formerly Invitae), Labcorp); PubMed 35417398 (cited by Labcorp Genetics (formerly Invitae), Labcorp).

NM_000271.5(NPC1):c.3419G>T (p.Gly1140Val)

Gene: NPC1 (NPC intracellular cholesterol transporter 1; minus strand). Cytogenetic location: 18q11.2.
Variant type: single nucleotide variant.
Coding change: c.3419G>T on transcript NM_000271.5 (MANE Select); coding-DNA position 3419, G replaced by T.
Protein change: p.Gly1140Val; replaces glycine 1140 with valine.
Molecular consequence: missense variant.
Genome position (GRCh38, 1-based): chr18:23,535,527, C>A on the plus strand (G>T on the coding strand, the complement: NPC1 is on the minus strand). VCF-style: chr18-23535527-C-A. GRCh37 (hg19) VCF-style: chr18-21115491-C-A.
Other names: short protein forms G1140V.
Identifiers: ClinVar variation 1021656 (VCV001021656.9), dbSNP rs2058616184, ClinGen allele CA401791238.